The following is an entry in ClinVar:

NM_000342.4(SLC4A1):c.2020del (p.Val674fs)

Gene: SLC4A1 (solute carrier family 4 member 1 (Diego blood group); minus strand). Cytogenetic location: 17q21.31.
Variant type: Deletion.
Coding change: c.2020del on transcript NM_000342.4 (MANE Select); coding-DNA position 2020, one base deleted (G; older notation c.2020delG).
Protein change: p.Val674fs; shifts the reading frame from valine 674.
Molecular consequence: frameshift variant.
Genome position (GRCh38, 1-based): chr17:44,254,533, C deleted on the plus strand (G on the coding strand, the reverse complement: SLC4A1 is on the minus strand); the first of 2 consecutive C bases (chr17:44,254,533-44,254,534); deleting either gives the same sequence. VCF-style (leftmost placement, unchanged base first): chr17-44254532-AC-A. GRCh37 (hg19) VCF-style: chr17-42331900-AC-A.
Other names: short protein forms V674fs.
Identifiers: ClinVar variation 3382897 (VCV003382897.2).

ClinVar aggregate classification (germline): Pathogenic (1 of 4 stars; one submission).

Conditions:
Hereditary spherocytosis type 4. Also called: SLC4A1-Related Spherocytosis. Identifiers: Orphanet 822, MedGen C2675212, MONDO:0012981, OMIM 612653.
BLOOD GROUP--SWANN SYSTEM (SW). Also called: SWANN BLOOD GROUP. Identifiers: MedGen C1832169, OMIM 601550.
Cryohydrocytosis. Also called: CRYOHYDROCYTOSIS DUE TO BAND 3 HEMEL; CRYOHYDROCYTOSIS DUE TO BAND 3 HURSTPIERPOINT; CRYOHYDROCYTOSIS DUE TO BAND 3 BLACKBURN; Hereditary cryohydrocytosis with normal stomatin; STOMATOCYTOSIS, COLD-SENSITIVE. Identifiers: Orphanet 398088, MedGen C1861453, MONDO:0008494, OMIM 185020.
Renal tubular acidosis, distal, 4, with hemolytic anemia. Also called: Renal Tubular Acidosis, Distal, with Hemolytic Anemia. Identifiers: Orphanet 93610, MedGen C5436235, MONDO:0012700, OMIM 611590.
BLOOD GROUP, WALDNER (WD). Also called: WALDNER BLOOD GROUP ANTIGEN. Identifiers: MedGen C1862191, OMIM 112010.
Malaria, susceptibility to. Identifiers: Orphanet 673, MedGen C1970028, MONDO:0021024, OMIM 611162.
BLOOD GROUP--FROESE (FR). Also called: FROESE BLOOD GROUP ANTIGEN. Identifiers: MedGen C1832168, OMIM 601551.
Southeast Asian ovalocytosis. Also called: HE, STOMATOCYTIC; Stomatocytic elliptocytosis, hereditary; Ovalocytosis, Malaysian-Melanesian-Filipino type; Elliptocytosis 4. Identifiers: Orphanet 98868, MedGen C1862322, MONDO:0008165, OMIM 166900.
Autosomal dominant distal renal tubular acidosis (DRTA1). Also called: RENAL TUBULAR ACIDOSIS, DISTAL, 1; RTA, CLASSIC TYPE; RTA, DISTAL TYPE, AUTOSOMAL DOMINANT; RTA, GRADIENT TYPE; Renal Tubular Acidosis, Type I. Identifiers: Orphanet 93608, MedGen CN280572, MONDO:0008368, OMIM 179800.
BLOOD GROUP--DIEGO SYSTEM (DI). Identifiers: MedGen C1292286, OMIM 110500.
BLOOD GROUP--WRIGHT ANTIGEN (WR). Identifiers: MedGen C1862190, OMIM 112050.

Submission:

Juno Genomics, Hangzhou Juno Genomics, Inc
Classification: Pathogenic for Cryohydrocytosis; Autosomal dominant distal renal tubular acidosis; Renal tubular acidosis, distal, 4, with hemolytic anemia; Southeast Asian ovalocytosis; Hereditary spherocytosis type 4; BLOOD GROUP--DIEGO SYSTEM; BLOOD GROUP--FROESE; BLOOD GROUP--SWANN SYSTEM; BLOOD GROUP, WALDNER; BLOOD GROUP--WRIGHT ANTIGEN; Malaria, susceptibility to. Review status: criteria provided, single submitter. Criteria: ACMG Guidelines, 2015. Collection method: clinical testing. Allele origin: germline. Affected: yes.
Comment: Null variant in a gene where loss of function (LOF) is a known mechanism of disease.;Absent from controls (or at extremely low frequency if recessive) in Genome Aggregation Database, Exome Sequencing Project, 1000 Genomes Project, or Exome Aggregation Consortium.;Patient's phenotype or family history is highly specific for a disease with a single genetic etiology.